The following is an entry in ClinVar:

NM_181458.4(PAX3):c.83_85+12delinsTA

Genes: CCDC140 (CCDC140 long non-coding RNA; plus strand), PAX3 (paired box 3; minus strand). Cytogenetic location: 2q36.1.
Variant type: Indel.
Coding change: c.83_85+12delinsTA on transcript NM_181458.4 (MANE Select); coding-DNA position 83 through 12 bases into the intron after coding-DNA position 85, AAGGTAAGGGAGGGC replaced by TA.
Molecular consequence: splice donor variant.
Genome position (GRCh38, 1-based): chr2:222,298,519-222,298,533, GCCCTCCCTTACCTT replaced by TA on the plus strand (AAGGTAAGGGAGGGC replaced by TA on the coding strand, the reverse complement: PAX3 is on the minus strand). VCF-style: chr2-222298519-GCCCTCCCTTACCTT-TA. GRCh37 (hg19) VCF-style: chr2-223163238-GCCCTCCCTTACCTT-TA.
Other names: c.83_85+12delinsTA (NM_001127366.3, NM_181460.4, NM_181461.4 and 4 more transcripts).
Identifiers: ClinVar variation 4852123 (VCV004852123.2).

ClinVar aggregate classification (germline): Pathogenic (1 of 4 stars; one submission).

Conditions:
Waardenburg syndrome type 1 (WS1). Also called: WAARDENBURG SYNDROME WITH DYSTOPIA CANTHORUM; Waardenburg Syndrome Type I. Identifiers: Orphanet 894, MedGen C1847800, MONDO:0008670, OMIM 193500.

Submission:

Laboratory of Molecular, Cellular and Translation Genetics in Otolaryngology/ Lim32-hcfmusp, University of Sao Paulo School of Medicine Clinics Hospital
Classification: Pathogenic for Waardenburg syndrome type 1. Last evaluated: 2026-04-30. Review status: criteria provided, single submitter. Criteria: ACMG Guidelines, 2015. Collection method: research. Allele origin: germline. Affected: yes.
Comment: NM_181458.4:c.83_85+12delinsTA. This variant has been classified as pathogenic. It is an indel predicted to result in loss of function in PAX3, a gene in which loss of function is an established disease mechanism (PVS1). It is absent from population databases (PM2). Overall, these findings support the causative role of this variant in the affected family, most consistent with autosomal dominant Waardenburg syndrome type I as described in PMID: 42233699.

Literature cited by the submitters: PubMed 42233699.